The following is an entry in ClinVar:

NM_201550.4(LRRC10):c.751A>G (p.Lys251Glu)

Gene: LRRC10 (leucine rich repeat containing 10; minus strand). Cytogenetic location: 12q15.
Variant type: single nucleotide variant.
Coding change: c.751A>G on transcript NM_201550.4 (MANE Select); coding-DNA position 751, A replaced by G.
Protein change: p.Lys251Glu; replaces lysine 251 with glutamic acid.
Molecular consequence: missense variant.
Genome position (GRCh38, 1-based): chr12:69,610,088, T>C on the plus strand (A>G on the coding strand, the complement: LRRC10 is on the minus strand). VCF-style: chr12-69610088-T-C. GRCh37 (hg19) VCF-style: chr12-70003868-T-C.
Other names: short protein forms K251E.
Identifiers: ClinVar variation 3631237 (VCV003631237.2).

ClinVar aggregate classification (germline): Uncertain significance (1 of 4 stars; one submission).

Submission:

Labcorp Genetics (formerly Invitae), Labcorp
Classification: Uncertain significance. Last evaluated: 2025-03-25. Review status: criteria provided, single submitter. Criteria: Invitae Variant Classification Sherloc (09022015). Collection method: clinical testing. Allele origin: germline.
Comment: This sequence change replaces lysine, which is basic and polar, with glutamic acid, which is acidic and polar, at codon 251 of the LRRC10 protein (p.Lys251Glu). This variant is present in population databases (rs370980072, gnomAD 0.002%). This variant has not been reported in the literature in individuals affected with LRRC10-related conditions. An algorithm developed to predict the effect of missense changes on protein structure and function (PolyPhen-2) suggests that this variant is likely to be tolerated. In summary, the available evidence is currently insufficient to determine the role of this variant in disease. Therefore, it has been classified as a Variant of Uncertain Significance.